The following is an entry in ClinVar:

ClinVar aggregate classification (germline): Likely benign. Review status: criteria provided, multiple submitters, no conflicts (2 of 4 stars). 2 submissions from 2 submitters: Likely benign (2). Last evaluated 2024-02-24.

Conditions:
Neuronal ceroid lipofuscinosis. Also called: Neuronal Ceroid Lipofuscinoses. Identifiers: Orphanet 216, Orphanet 79263, MedGen C0027877, MONDO:0016295. Disease mechanism: loss of function.

Allele frequency attached by ClinVar (database versions not stated): TOPMed below 0.00001; gnomAD exomes 0.00001.
gnomAD v4.1: 4 of 1,613,640 alleles (0.00025%); highest among the groups gnomAD compares: Admixed American, 0.005%; no homozygotes.

Submissions (2):

Labcorp Genetics (formerly Invitae), Labcorp
Classification: Likely benign for Neuronal ceroid lipofuscinosis. Last evaluated: 2024-02-24. Review status: criteria provided, single submitter. Criteria: Invitae Variant Classification Sherloc (09022015). Collection method: clinical testing. Allele origin: germline.

GeneDx
Classification: Likely benign. Last evaluated: 2016-03-17. Review status: criteria provided, single submitter. Criteria: GeneDx Variant Classification (06012015). Collection method: clinical testing. Allele origin: germline. Affected: yes.
Comment: This variant is considered likely benign or benign based on one or more of the following criteria: it is a conservative change, it occurs at a poorly conserved position in the protein, it is predicted to be benign by multiple in silico algorithms, and/or has population frequency not consistent with disease.

NM_001909.5(CTSD):c.705-4C>T

Gene: CTSD (cathepsin D; minus strand). Cytogenetic location: 11p15.5.
Variant type: single nucleotide variant.
Coding change: c.705-4C>T on transcript NM_001909.5 (MANE Select); 4 bases into the intron before coding-DNA position 705, C replaced by T.
Molecular consequence: intron variant.
Genome position (GRCh38, 1-based): chr11:1,755,032, G>A on the plus strand (C>T on the coding strand, the complement: CTSD is on the minus strand). VCF-style: chr11-1755032-G-A. GRCh37 (hg19) VCF-style: chr11-1776262-G-A.
Identifiers: ClinVar variation 384494 (VCV000384494.9), dbSNP rs1057521968, ClinGen allele CA16605878.
Genomic context (GRCh38, chr11:1,755,032, plus strand): 5'-TACTTGGAGTCTGTGCCACCCAGCATCAGCTCACCCCCAGGCTGCGCATCTGGGTCCCTA[G>A]GAGGAAAAGGGAGGAGTCAGCTGCCACGCCACCCCCCAAGCACAAGAGTGCCAGGTCAGG-3'